The following is an entry in ClinVar:

ClinVar aggregate classification (germline): Pathogenic. Review status: criteria provided, single submitter (1 of 4 stars). 2 submissions from 2 submitters: Pathogenic (1). 1 of the submissions does not count toward it. Last evaluated 2021-05-07.

Conditions:
Neurodevelopmental disorder with poor growth and behavioral abnormalities (NEDGBA). Identifiers: MedGen C5830273, MONDO:0859377, OMIM 620242.

Submissions (2):

Eye Genetics Group, Jules-Gonin Eye Hospital
Classification: Pathogenic. Last evaluated: 2021-05-07. Review status: criteria provided, single submitter. Criteria: ACMG classification. Collection method: research. Allele origin: inherited. Inheritance: Autosomal recessive inheritance. Affected: yes. Observed: 2 homozygotes. Clinical features observed: Intellectual disability, severe (HP:0010864), Motor delay (HP:0001270), Delayed speech and language development (HP:0000750), Poor fine motor coordination (HP:0007010), Atypical behavior (HP:0000708), Aggressive behavior (HP:0000718), Microcephaly (HP:0000252).
Comment: The homozygous variant is at the conserved first nucleotide of the donor splice site and is predicted to cause abnormal splicing by SpliceAI. This variant was not present in gnomAD, Bravo or our local database of >500 Pakistani controls. Also the variant segregated with the disease phenotype, in the family of two affected and two unaffected siblings.

OMIM
Classification: Pathogenic for NEURODEVELOPMENTAL DISORDER WITH POOR GROWTH AND BEHAVIORAL ABNORMALITIES. Last evaluated: 2023-02-13. Review status: no assertion criteria provided. Collection method: literature only. Allele origin: germline. Not counted in ClinVar's aggregate classification.

Literature cited by the submitters: PubMed 34764295 (cited by OMIM).

NM_006045.3(ATP9A):c.799+1G>T

Gene: ATP9A (ATPase phospholipid transporting 9A (putative); minus strand). Cytogenetic location: 20q13.2.
Variant type: single nucleotide variant.
Coding change: c.799+1G>T on transcript NM_006045.3 (MANE Select); the canonical splice donor site of the intron after coding-DNA position 799, G replaced by T.
Molecular consequence: splice donor variant.
Genome position (GRCh38, 1-based): chr20:51,689,063, C>A on the plus strand (G>T on the coding strand, the complement: ATP9A is on the minus strand). VCF-style: chr20-51689063-C-A. GRCh37 (hg19) VCF-style: chr20-50305602-C-A.
Other names: IVSDS, G-T, +1.
Identifiers: ClinVar variation 1284891 (VCV001284891.4), dbSNP rs2122814957, ClinGen allele CA409003121.
Genomic context (GRCh38, chr20:51,689,063, plus strand): 5'-TTACAAAAGGATTTTCTTTCCTTTTCAAATTGCTACCACATTCCTCAAAACGGCGCCTCA[C>A]CTGATGCGACCACAGTGCCAGCCCACAGCGTGTTCTCTATGCTCAGGCTCTCGCTGATCG-3'